The following is an entry in ClinVar:

NM_012144.4(DNAI1):c.1001C>T (p.Ser334Phe)

Gene: DNAI1 (dynein axonemal intermediate chain 1; plus strand). Cytogenetic location: 9p13.3.
Variant type: single nucleotide variant.
Coding change: c.1001C>T on transcript NM_012144.4 (MANE Select); coding-DNA position 1001, C replaced by T.
Protein change: p.Ser334Phe; replaces serine 334 with phenylalanine.
Molecular consequence: missense variant.
Genome position (GRCh38, 1-based): chr9:34,500,821, C>T. VCF-style: chr9-34500821-C-T. GRCh37 (hg19) VCF-style: chr9-34500819-C-T.
Other names: c.1013C>T, p.Ser338Phe (NM_001281428.2); short protein forms S334F, S338F.
Identifiers: ClinVar variation 1393260 (VCV001393260.9), dbSNP rs1451350869, ClinGen allele CA373253318.

ClinVar aggregate classification (germline): Conflicting classifications of pathogenicity. Review status: criteria provided, conflicting classifications (1 of 4 stars). 3 submissions from 3 submitters: Uncertain significance (2); Likely benign (1). Last evaluated 2024-12-17.

Conditions:
Primary ciliary dyskinesia. Also called: Ciliary dyskinesia. Identifiers: Orphanet 244, MedGen C0008780, MONDO:0016575, HP:0012265.
Kartagener syndrome (CILD1). Also called: CILIARY DYSKINESIA, PRIMARY, 1; CILIARY DYSKINESIA, PRIMARY, 1, WITH OR WITHOUT SITUS INVERSUS; IMMOTILE CILIA SYNDROME; POLYNESIAN BRONCHIECTASIS; Dextrocardia bronchiectasis and sinusitis; SIEWERT SYNDROME. Identifiers: Orphanet 244, MedGen C4551906, MONDO:0009484, OMIM 244400.

Allele frequency attached by ClinVar (database versions not stated): gnomAD exomes 0.00001 and 0.00004; gnomAD 0.00011 and 0.00012; TOPMed 0.00013.
gnomAD v4.1: 37 of 1,613,918 alleles (0.0023%); highest among the groups gnomAD compares: Admixed American, 0.043%; no homozygotes.

Submissions (3):

Labcorp Genetics (formerly Invitae), Labcorp
Classification: Likely benign for Primary ciliary dyskinesia. Last evaluated: 2024-12-17. Review status: criteria provided, single submitter. Criteria: Invitae Variant Classification Sherloc (09022015). Collection method: clinical testing. Allele origin: germline.

Fulgent Genetics
Classification: Uncertain significance for Kartagener syndrome. Last evaluated: 2021-12-03. Review status: criteria provided, single submitter. Criteria: ACMG Guidelines, 2015. Collection method: clinical testing. Allele origin: unknown.

Ambry Genetics
Classification: Uncertain significance for Primary ciliary dyskinesia. Last evaluated: 2014-09-04. Review status: criteria provided, single submitter. Criteria: Ambry Variant Classification Scheme 2023. Collection method: clinical testing. Allele origin: germline.
Comment: The p.S334F variant (also known as c.1001C>T), located in coding exon 11 of the DNAI1 gene, results from a C to T substitution at nucleotide position 1001. The serine at codon 334 is replaced by phenylalanine, an amino acid with highly dissimilar properties. This variant was not reported in population based cohorts in the following databases: Database of Single Nucleotide Polymorphisms (dbSNP), NHLBI Exome Sequencing Project (ESP), and 1000 Genomes Project. In the ESP, this variant was not observed in 6503 samples (13006 alleles) with coverage at this position. This amino acid position is poorly conserved in available vertebrate species. In addition, this alteration is predicted to be tolerated by in silico analysis. Since supporting evidence is limited at this time, the clinical significance of this variant remains unclear.